The following is an entry in ClinVar:

ClinVar aggregate classification (germline): Likely pathogenic (1 of 4 stars; one submission).

Conditions:
Cranioectodermal dysplasia 1 (CED1). Also called: LEVIN SYNDROME I. Identifiers: Orphanet 1515, MedGen C0432235, MONDO:0021093, OMIM 218330.

Submission:

Labcorp Genetics (formerly Invitae), Labcorp
Classification: Likely pathogenic for Cranioectodermal dysplasia 1. Last evaluated: 2025-01-20. Review status: criteria provided, single submitter. Criteria: Invitae Variant Classification Sherloc (09022015). Collection method: clinical testing. Allele origin: germline.
Comment: This sequence change affects a donor splice site in intron 3 of the IFT122 gene. It is expected to disrupt RNA splicing. Variants that disrupt the donor or acceptor splice site typically lead to a loss of protein function (PMID: 16199547), and loss-of-function variants in IFT122 are known to be pathogenic (PMID: 20493458, 23826986, 26792575). This variant is not present in population databases (gnomAD no frequency). This variant has not been reported in the literature in individuals affected with IFT122-related conditions. Algorithms developed to predict the effect of sequence changes on RNA splicing suggest that this variant may disrupt the consensus splice site. In summary, the currently available evidence indicates that the variant is pathogenic, but additional data are needed to prove that conclusively. Therefore, this variant has been classified as Likely Pathogenic.

Literature cited by the submitters: PubMed 16199547; PubMed 20493458; PubMed 23826986; PubMed 26792575.

NM_052989.3(IFT122):c.193+2T>G

Gene: IFT122 (intraflagellar transport 122; plus strand). Cytogenetic location: 3q21.3.
Variant type: single nucleotide variant.
Coding change: c.193+2T>G on transcript NM_052989.3 (MANE Select); the canonical splice donor site of the intron after coding-DNA position 193, T replaced by G.
Molecular consequence: splice donor variant.
Genome position (GRCh38, 1-based): chr3:129,452,000, T>G. VCF-style: chr3-129452000-T-G. GRCh37 (hg19) VCF-style: chr3-129170843-T-G.
Other names: c.193+2T>G (NM_052985.4, NM_001280541.2, NM_001410808.1 and 8 more transcripts); c.-179+2T>G (NM_001280546.2); c.-409+2T>G (NM_001280545.2).
Identifiers: ClinVar variation 3644672 (VCV003644672.2).